The following is an entry in ClinVar:

NM_000256.3(MYBPC3):c.3330+4A>T

Gene: MYBPC3 (myosin binding protein C3; minus strand). Cytogenetic location: 11p11.2.
Variant type: single nucleotide variant.
Coding change: c.3330+4A>T on transcript NM_000256.3 (MANE Select); 4 bases into the intron after coding-DNA position 3330, A replaced by T.
Molecular consequence: intron variant.
Genome position (GRCh38, 1-based): chr11:47,333,190, T>A on the plus strand (A>T on the coding strand, the complement: MYBPC3 is on the minus strand). VCF-style: chr11-47333190-T-A. GRCh37 (hg19) VCF-style: chr11-47354741-T-A.
Identifiers: ClinVar variation 3659223 (VCV003659223.2).

ClinVar aggregate classification (germline): Uncertain significance (1 of 4 stars; one submission).

Conditions:
Hypertrophic cardiomyopathy. Also called: HYPERTROPHIC MYOCARDIOPATHY. Identifiers: Orphanet 217569, MedGen C0007194, MeSH D002312, MONDO:0005045, HP:0001639.

Submission:

Labcorp Genetics (formerly Invitae), Labcorp
Classification: Uncertain significance for Hypertrophic cardiomyopathy. Last evaluated: 2024-07-11. Review status: criteria provided, single submitter. Criteria: Invitae Variant Classification Sherloc (09022015). Collection method: clinical testing. Allele origin: germline.
Comment: This sequence change falls in intron 30 of the MYBPC3 gene. It does not directly change the encoded amino acid sequence of the MYBPC3 protein. It affects a nucleotide within the consensus splice site. This variant is not present in population databases (gnomAD no frequency). This variant has not been reported in the literature in individuals affected with MYBPC3-related conditions. Variants that disrupt the consensus splice site are a relatively common cause of aberrant splicing (PMID: 17576681, 9536098). Algorithms developed to predict the effect of sequence changes on RNA splicing suggest that this variant may disrupt the consensus splice site. In summary, the available evidence is currently insufficient to determine the role of this variant in disease. Therefore, it has been classified as a Variant of Uncertain Significance.

Literature cited by the submitters: PubMed 17576681; PubMed 9536098.